The following is an entry in ClinVar:

NM_001134407.3(GRIN2A):c.1437G>A (p.Leu479=)

Gene: GRIN2A (glutamate ionotropic receptor NMDA type subunit 2A; minus strand). Cytogenetic location: 16p13.2.
Variant type: single nucleotide variant.
Coding change: c.1437G>A on transcript NM_001134407.3 (MANE Select); coding-DNA position 1437, G replaced by A.
Protein change: p.Leu479=; no amino-acid change (leucine 479 retained).
Molecular consequence: synonymous variant.
Genome position (GRCh38, 1-based): chr16:9,840,996, C>T on the plus strand (G>A on the coding strand, the complement: GRIN2A is on the minus strand). VCF-style: chr16-9840996-C-T. GRCh37 (hg19) VCF-style: chr16-9934853-C-T.
Other names: c.1437G>A, p.Leu479= (NM_000833.5, NM_001134408.2).
Identifiers: ClinVar variation 381143 (VCV000381143.6), dbSNP rs768988228, ClinGen allele CA16607586.

ClinVar aggregate classification (germline): Likely benign. Review status: criteria provided, multiple submitters, no conflicts (2 of 4 stars). 3 submissions from 3 submitters: Likely benign (3). Last evaluated 2025-10-28.

Conditions:
Inborn genetic diseases. Identifiers: MedGen C0950123, MeSH D030342.
Landau-Kleffner syndrome (FESD). Also called: EPILEPSY, FOCAL, WITH SPEECH DISORDER AND WITH OR WITHOUT MENTAL RETARDATION; APHASIA, ACQUIRED, WITH EPILEPSY. Identifiers: Orphanet 1945, Orphanet 725, Orphanet 98818, MedGen C0282512, MONDO:0009509, OMIM 245570.

Allele frequency attached by ClinVar (database versions not stated): gnomAD 0.00001; TOPMed 0.00001.
gnomAD v4.1: 4 of 1,613,538 alleles (0.00025%); highest among the groups gnomAD compares: Admixed American, 0.0017%; no homozygotes.

Submissions (3):

Labcorp Genetics (formerly Invitae), Labcorp
Classification: Likely benign for Landau-Kleffner syndrome. Last evaluated: 2025-10-28. Review status: criteria provided, single submitter. Criteria: Invitae Variant Classification Sherloc (09022015). Collection method: clinical testing. Allele origin: germline.

Ambry Genetics
Classification: Likely benign for Inborn genetic diseases. Last evaluated: 2019-02-09. Review status: criteria provided, single submitter. Criteria: Ambry Variant Classification Scheme 2023. Collection method: clinical testing. Allele origin: germline.

GeneDx
Classification: Likely benign. Last evaluated: 2015-10-26. Review status: criteria provided, single submitter. Criteria: GeneDx Variant Classification (06012015). Collection method: clinical testing. Allele origin: germline. Affected: yes.
Comment: This variant is considered likely benign or benign based on one or more of the following criteria: it is a conservative change, it occurs at a poorly conserved position in the protein, it is predicted to be benign by multiple in silico algorithms, and/or has population frequency not consistent with disease.